The following is an entry in ClinVar:

NM_016035.5(COQ4):c.211G>A (p.Ala71Thr)

Gene: COQ4 (coenzyme Q4; plus strand). Cytogenetic location: 9q34.11.
Variant type: single nucleotide variant.
Coding change: c.211G>A on transcript NM_016035.5 (MANE Select); coding-DNA position 211, G replaced by A.
Protein change: p.Ala71Thr; replaces alanine 71 with threonine.
Molecular consequence: missense variant. On other transcripts: intron variant (1).
Genome position (GRCh38, 1-based): chr9:128,325,151, G>A. VCF-style: chr9-128325151-G-A. GRCh37 (hg19) VCF-style: chr9-131087430-G-A.
Other names: c.203-628G>A (NM_001305942.2); short protein forms A71T.
Identifiers: ClinVar variation 3342649 (VCV003342649.2).
Genomic context (GRCh38, chr9:128,325,151, plus strand): 5'-CTAACTTACCTAAGATGACATCCCCCATTTGTGCCCGTTTCTGTCCTTTCAGACATGGTC[G>A]CAGTTCTAGGGGAGACCACAGGACACCGCACCCTGAAGGTCCTCAGGGACCAGATGAGGA-3'
Protein context (NP_057119.3, residues 61-81): LYNPYRHDMV[Ala71Thr]VLGETTGHRT

ClinVar aggregate classification (germline): Likely pathogenic. Review status: criteria provided, multiple submitters, no conflicts (2 of 4 stars). 2 submissions from 2 submitters: Likely pathogenic (2). Last evaluated 2026-04-28.

Conditions:
Neonatal encephalomyopathy-cardiomyopathy-respiratory distress syndrome. Also called: Coenzyme Q10 deficiency, primary, 7. Identifiers: Orphanet 457185, MedGen C5568562, MONDO:0014562, OMIM 616276.

gnomAD v4.1: 4 of 1,612,526 alleles (0.00025%); highest among the groups gnomAD compares: African/African-American, 0.0027%; no homozygotes.

Submissions (2):

Wales Gene Park, Division Of Cancer and Genetics, Cardiff University
Classification: Likely pathogenic for Neonatal encephalomyopathy-cardiomyopathy-respiratory distress syndrome. Last evaluated: 2026-04-28. Review status: criteria provided, single submitter. Criteria: ACGS Best Practice Guidelines for Variant Classification in Rare Disease 2024. Collection method: research. Allele origin: inherited. Inheritance: Autosomal recessive inheritance. Affected: yes. Study: 100,000 Genomes Project (Wales).
Comment: Inherited COQ4 missense variant detected by trio genome sequencing. Low allele frequency in gnomAD (v4.1.1). RNA analysis of patient blood and skin fibroblasts found significantly reduced expression of COQ4. In addition, there was increased skipping of exon 3. Evidence codes: PM3_strong, PM2 and PS3_supporting.

GeneDx
Classification: Likely pathogenic. Last evaluated: 2024-01-18. Review status: criteria provided, single submitter. Criteria: GeneDx Variant Classification Process June 2021. Collection method: clinical testing. Allele origin: germline. Affected: yes.
Comment: Reported with another COQ4 variant on the opposite allele (in trans) in an infant with feeding difficulties, recurrent respiratory infections, seizures, cerebral atrophy, and poor growth; however, the full text of this publication was not available (Lili et al. (2019) Chinese Journal of Endocrinology and Metabolism. 12); Not observed at significant frequency in large population cohorts (gnomAD); In silico analysis supports that this missense variant has a deleterious effect on protein structure/function; This variant is associated with the following publications: (PMID: Lili2019[Abstract])